The following is an entry in ClinVar:

NM_005120.3(MED12):c.4037G>A (p.Arg1346His)

Gene: MED12 (mediator complex subunit 12; plus strand). Cytogenetic location: Xq13.1.
Variant type: single nucleotide variant.
Coding change: c.4037G>A on transcript NM_005120.3 (MANE Select); coding-DNA position 4037, G replaced by A.
Protein change: p.Arg1346His; replaces arginine 1346 with histidine.
Molecular consequence: missense variant.
Genome position (GRCh38, 1-based): chrX:71,130,204, G>A. VCF-style: chrX-71130204-G-A. GRCh37 (hg19) VCF-style: chrX-70350054-G-A.
Other names: short protein forms R1346H.
Identifiers: ClinVar variation 3714881 (VCV003714881.2).

ClinVar aggregate classification (germline): Uncertain significance (1 of 4 stars; one submission).

Conditions:
FG syndrome (FGS). Identifiers: MedGen C0220769, MONDO:0002010.

gnomAD v4.1: 8 of 1,204,944 alleles (0.00066%); highest among the groups gnomAD compares: Non-Finnish European, 0.0009%; no homozygotes.

Submission:

Labcorp Genetics (formerly Invitae), Labcorp
Classification: Uncertain significance for FG syndrome. Last evaluated: 2024-02-25. Review status: criteria provided, single submitter. Criteria: Invitae Variant Classification Sherloc (09022015). Collection method: clinical testing. Allele origin: germline.
Comment: This sequence change replaces arginine, which is basic and polar, with histidine, which is basic and polar, at codon 1346 of the MED12 protein (p.Arg1346His). The frequency data for this variant in the population databases is considered unreliable, as metrics indicate poor data quality at this position in the gnomAD database. This variant has not been reported in the literature in individuals affected with MED12-related conditions. Advanced modeling of protein sequence and biophysical properties (such as structural, functional, and spatial information, amino acid conservation, physicochemical variation, residue mobility, and thermodynamic stability) has been performed at Invitae for this missense variant, however the output from this modeling did not meet the statistical confidence thresholds required to predict the impact of this variant on MED12 protein function. In summary, the available evidence is currently insufficient to determine the role of this variant in disease. Therefore, it has been classified as a Variant of Uncertain Significance.